The following is an entry in ClinVar:

ClinVar aggregate classification (germline): Pathogenic. Review status: reviewed by expert panel (3 of 4 stars). 6 submissions from 6 submitters: Pathogenic (1). 5 of the submissions do not count toward it. Last evaluated 2025-01-08.

Conditions:
Autosomal recessive limb-girdle muscular dystrophy. Identifiers: Orphanet 102015, MedGen C2931907, MONDO:0015152.
Neuromuscular disease caused by qualitative or quantitative defects of dysferlin. Also called: Qualitative or quantitative defects of dysferlin; Dysferlinopathy. Identifiers: Orphanet 207073, MedGen C2931687, MONDO:0016145.
Autosomal recessive limb-girdle muscular dystrophy type 2B (LGMDR2). Also called: MUSCULAR DYSTROPHY, LIMB-GIRDLE, TYPE 3; Limb-Girdle Muscular Dystrophy Type 2B (LGMD2B); MUSCULAR DYSTROPHY, LIMB-GIRDLE, AUTOSOMAL RECESSIVE 2; Limb-girdle muscular dystrophy, type 2B. Identifiers: Orphanet 268, MedGen C1850889, MONDO:0009676, OMIM 253601.

Allele frequency attached by ClinVar (database versions not stated): TOPMed below 0.00001; gnomAD exomes below 0.00001 and 0.00002.
gnomAD v4.1: 24 of 1,614,150 alleles (0.0015%); highest among the groups gnomAD compares: Non-Finnish European, 0.0019%; 1 homozygote.

Submissions (6):

ClinGen Limb Girdle Muscular Dystrophy Variant Curation Expert Panel, ClinGen
Classification: Pathogenic for Autosomal recessive limb-girdle muscular dystrophy. Last evaluated: 2025-01-08. Review status: reviewed by expert panel. Criteria: ClinGen LGMD VCEP ACMG Specifications DYSF V1.0.0. Collection method: curation. Allele origin: germline. Inheritance: Autosomal recessive inheritance.
Comment: The NM_003494.4: c.857T>A variant in DYSF, which is also known as NM_001130987.2: c.953T>A p.(Val318Glu), is a missense variant predicted to cause substitution of valine by glutamic acid at amino acid 318 p.(Val318Glu). This variant has been detected in at least 6 unrelated individuals with dysferlinopathy (PMID: 18832576, 25493284, 27602406, 32528171, 33610434, 33927379, 36983702). Of those individuals, two were compound heterozygous for the variant and a confirmed pathogenic or likely pathogenic variant (c.5860G>T p.Glu1954Ter, 1.0 pt, PMID: 33927379; c.2779del p.Ala927LeufsTer21, 1.0 pt, PMID: 18832576 (PM3_Strong). At least one patient with this variant displayed progressive limb girdle muscle weakness and absent dysferlin protein expression in skeletal muscle or blood monocytes, which is highly specific for DYSF-associated LGMD (PP4_Strong, PMID: 18832576). The highest population minor allele frequency in gnomAD v2.1.1 is 0.000008 (1/113768 alleles) in the European (non-Finnish) population, which is less than the LGMD VCEP threshold (≤0.0001) for PM2_Supporting, meeting this criterion (PM2_Supporting). RNAseq analysis demonstrated that this variant may result in missplicing in a small percentage of transcripts (PMID: 36983702), but the consequences of this degree of missplicing on protein function are unclear (PVS1_RNA not met). Immunofluorescence and 2-A assays of dysferlin membrane localization in HEK293T cells showed the variant protein did not reach the cell membrane, indicating an impact on protein function (PMID: 35028538) (PS3_Moderate). The computational predictor REVEL gives a score of 0.95, which exceeds the LGMD VCEP threshold of ≥0.70, evidence that correlates with impact to DYSF function (PP3). In summary, this variant meets the criteria to be classified as Pathogenic for autosomal recessive limb girdle muscular dystrophy based on the ACMG/AMP criteria applied, as specified by the ClinGen LGMD VCEP (LGMD VCEP specifications version 1.0.0; 01/08/2025): PM2_Supporting, PM3_Strong, PP4_Strong, PS3_Moderate, PP3.

Labcorp Genetics (formerly Invitae), Labcorp
Classification: Pathogenic for Neuromuscular disease caused by qualitative or quantitative defects of dysferlin. Last evaluated: 2025-12-14. Review status: criteria provided, single submitter. Criteria: Invitae Variant Classification Sherloc (09022015). Collection method: clinical testing. Allele origin: germline. Not counted in ClinVar's aggregate classification.
Comment: This sequence change replaces valine, which is neutral and non-polar, with glutamic acid, which is acidic and polar, at codon 286 of the DYSF protein (p.Val286Glu). This variant is present in population databases (rs398123807, gnomAD 0.0009%). This missense change has been observed in individual(s) with DYSF-related conditions (PMID: 18832576, 25493284, 32528171, 33610434, 33927379). ClinVar contains an entry for this variant (Variation ID: 94365). An algorithm developed to predict the effect of missense changes on protein structure and function (PolyPhen-2) suggests that this variant is likely to be disruptive. Algorithms developed to predict the effect of sequence changes on RNA splicing suggest that this variant may disrupt the consensus splice site. For these reasons, this variant has been classified as Pathogenic.

Natera, Inc.
Classification: Pathogenic for Limb-girdle muscular dystrophy type 2B. Last evaluated: 2025-08-26. Review status: criteria provided, single submitter. Criteria: Natera Variant Classification Schema (03/2026). Collection method: clinical testing. Allele origin: germline. Not counted in ClinVar's aggregate classification.
Comment: The c.857T>A variant in DYSF is a missense variant predicted to cause substitution of valine to glutamic acid at amino acid 286. This variant is rare in the general population with a frequency below the threshold expected for the associated phenotype(s). This variant has been observed in one or more individuals affected with the associated recessive disease, as either homozygous or compound heterozygous with a second variant (PMID: 25493284, 33927379, 18832576). Functional studies show that this variant may disrupt protein function (PMID: 36983702). Computational prediction algorithms indicate this variant is likely to affect gene or protein function. Given the available evidence, this variant is classified as Pathogenic.

Revvity Omics, Revvity
Classification: Likely pathogenic. Last evaluated: 2024-02-16. Review status: criteria provided, single submitter. Criteria: ACMG Guidelines, 2015. Collection method: clinical testing. Allele origin: germline. Not counted in ClinVar's aggregate classification.

Women's Health and Genetics/Laboratory Corporation of America, LabCorp
Classification: Likely pathogenic for Autosomal recessive limb-girdle muscular dystrophy. Last evaluated: 2023-08-03. Review status: criteria provided, single submitter. Criteria: LabCorp Variant Classification Summary - May 2015. Collection method: clinical testing. Allele origin: germline. Not counted in ClinVar's aggregate classification.
Comment: Variant summary: DYSF c.857T>A (p.Val286Glu) results in a non-conservative amino acid change located in the C2 domain (IPR000008) of the encoded protein sequence. Five of five in-silico tools predict a damaging effect of the variant on protein function. Althought the variant alters the second nucleotide of exon 9 near the 3' splice acceptor junction, computational tools predict no significant impact on normal splicing. However, these predictions have yet to be confirmed by functional studies. The variant allele was found at a frequency of 4e-06 in 251494 control chromosomes. c.857T>A has been reported in the literature in compound heterozygous individuals affected with Limb-Girdle Muscular Dystrophy, Autosomal Recessive 2B or dysferlinopathy (e.g. Dominov_2014, Harris_2016, Charnay_2021, Kesari_2021, Moore_2021) or in an individual with undiagnosed limb-girdle weakness with unspecified variant zygosity (e.g. Topf_2020). These data indicate that the variant is likely to be associated with disease. To our knowledge, no experimental evidence demonstrating an impact on protein function has been reported. The following publications have been ascertained in the context of this evaluation (PMID: 24488599, 33927379, 25493284, 27602406, 18832576, 33610434, 32528171). Three submitters have cited clinical-significance assessments for this variant to ClinVar after 2014, classifying the variant as likely pathogenic (n=2) or uncertain significance (n=1). Based on the evidence outlined above, the variant was classified as likely pathogenic.

Eurofins Ntd Llc (ga)
Classification: Uncertain significance. Last evaluated: 2012-09-04. Review status: flagged submission. Criteria: EGL Classification Definitions 2015. Collection method: clinical testing. Allele origin: germline. Observed: 1 variant allele, 1 heterozygote. Not counted in ClinVar's aggregate classification.
ClinVar note: Reason: Conflicts with expert reviewed submission without evidence to support different classification

Literature cited by the submitters: PubMed 35028538 (cited by ClinGen Limb Girdle Muscular Dystrophy Variant Curation Expert Panel, ClinGen); PubMed 18832576 (cited by 3 submitters); PubMed 25493284 (cited by 3 submitters); PubMed 32528171 (cited by Labcorp Genetics (formerly Invitae), Labcorp and Women's Health and Genetics/Laboratory Corporation of America, LabCorp); PubMed 33610434 (cited by Labcorp Genetics (formerly Invitae), Labcorp and Women's Health and Genetics/Laboratory Corporation of America, LabCorp); PubMed 33927379 (cited by 3 submitters); PubMed 36983702 (cited by Natera, Inc.); PubMed 27602406 (cited by Women's Health and Genetics/Laboratory Corporation of America, LabCorp); PubMed 24488599 (cited by Women's Health and Genetics/Laboratory Corporation of America, LabCorp).

NM_001130987.2(DYSF):c.953T>A (p.Val318Glu)

Gene: DYSF (dysferlin; plus strand). Cytogenetic location: 2p13.2.
Variant type: single nucleotide variant.
Coding change: c.953T>A on transcript NM_001130987.2 (MANE Select); coding-DNA position 953, T replaced by A.
Protein change: p.Val318Glu; replaces valine 318 with glutamic acid.
Molecular consequence: missense variant.
Genome position (GRCh38, 1-based): chr2:71,516,990, T>A. VCF-style: chr2-71516990-T-A. GRCh37 (hg19) VCF-style: chr2-71744120-T-A.
Other names: NM_001130987.2(DYSF):c.953T>A; p.Val318Glu; c.860T>A, p.Val287Glu (NM_001130455.2, NM_001130983.2, NM_001130984.2 and 1 more transcripts); c.857T>A, p.Val286Glu (NM_001130976.2, NM_001130977.2, NM_001130978.2 and 1 more transcripts); c.950T>A, p.Val317Glu (NM_001130979.2, NM_001130980.2, NM_001130981.2); c.953T>A, p.Val318Glu (NM_001130982.2, NM_001130985.2); short protein forms V286E, V318E, V317E, V287E.
Identifiers: ClinVar variation 94365 (VCV000094365.15), dbSNP rs398123807, ClinGen allele CA222220.